The following is an entry in ClinVar:

ClinVar aggregate classification (germline): Uncertain significance (1 of 4 stars; one submission).

Conditions:
CHD4-related disorder. Also called: CHD4-related condition.

Submission:

PreventionGenetics, part of Exact Sciences
Classification: Uncertain significance for CHD4-related condition. Last evaluated: 2025-05-04. Review status: criteria provided, single submitter. Criteria: ACMG Guidelines, 2015. Collection method: clinical testing. Allele origin: germline.
Comment: The CHD4 c.3514T>A variant is predicted to result in the amino acid substitution p.Tyr1172Asn. To our knowledge, this variant has not been reported in the literature or in a large population database (gnomAD), indicating this variant is rare. At this time, the clinical significance of this variant is uncertain due to the absence of conclusive functional and genetic evidence.

NM_001273.5(CHD4):c.3514T>A (p.Tyr1172Asn)

Gene: CHD4 (chromodomain helicase DNA binding protein 4; minus strand). Cytogenetic location: 12p13.31.
Variant type: single nucleotide variant.
Coding change: c.3514T>A on transcript NM_001273.5 (MANE Select); coding-DNA position 3514, T replaced by A.
Protein change: p.Tyr1172Asn; replaces tyrosine 1172 with asparagine.
Molecular consequence: missense variant.
Genome position (GRCh38, 1-based): chr12:6,587,901, A>T on the plus strand (T>A on the coding strand, the complement: CHD4 is on the minus strand). VCF-style: chr12-6587901-A-T. GRCh37 (hg19) VCF-style: chr12-6697067-A-T.
Other names: c.3493T>A, p.Tyr1165Asn (NM_001297553.2); c.3475T>A, p.Tyr1159Asn (NM_001363606.2); short protein forms Y1165N, Y1172N, Y1159N.
Identifiers: ClinVar variation 4997281 (VCV004997281.1).